The following is an entry in ClinVar:

ClinVar aggregate classification (germline): Benign/Likely benign. Review status: criteria provided, multiple submitters, no conflicts (2 of 4 stars). 8 submissions from 7 submitters: Benign (5); Likely benign (3). Last evaluated 2026-01-29.

Conditions:
Connective tissue disorder. Also called: Connective tissue disease. Identifiers: MedGen C0009782, MONDO:0003900.
Schwartz-Jampel syndrome. Also called: Myotonic myopathy dwarfism chondrodystrophy and ocular and facial abnormalities. Identifiers: Orphanet 800, MedGen C0036391, MONDO:0009717.
Lethal Kniest-like syndrome (DDSH). Also called: Dyssegmental Dysplasia. Identifiers: Orphanet 1865, MedGen C1857100, MONDO:0009140, OMIM 224410.

Allele frequency attached by ClinVar (database versions not stated): gnomAD exomes 0.00089 and 0.00194; ExAC 0.00465; ESP Exome Variant Server 0.00469; gnomAD 0.00837 and 0.00898; TOPMed 0.00905; 1000 Genomes Project 0.00958; 1000 Genomes Project 30x 0.01046.
gnomAD v4.1: 2,591 of 1,551,130 alleles (0.17%); highest among the groups gnomAD compares: African/African-American, 2.9%; 43 homozygotes.

Submissions (8):

Labcorp Genetics (formerly Invitae), Labcorp
Classification: Benign. Last evaluated: 2026-01-29. Review status: criteria provided, single submitter. Criteria: Invitae Variant Classification Sherloc (09022015). Collection method: clinical testing. Allele origin: germline.

ARUP Laboratories, Molecular Genetics and Genomics, ARUP Laboratories
Classification: Benign. Last evaluated: 2023-06-15. Review status: criteria provided, single submitter. Criteria: ARUP Molecular Germline Variant Investigation Process 2024. Collection method: clinical testing. Allele origin: germline.

GeneDx
Classification: Likely benign. Last evaluated: 2021-01-17. Review status: criteria provided, single submitter. Criteria: GeneDx Variant Classification Process June 2021. Collection method: clinical testing. Allele origin: germline. Affected: yes.

Athena Diagnostics
Classification: Benign. Last evaluated: 2019-04-02. Review status: criteria provided, single submitter. Criteria: Athena Diagnostics Criteria. Collection method: clinical testing. Allele origin: germline.

Genome Diagnostics Laboratory, The Hospital for Sick Children
Classification: Likely benign for Connective tissue disorder. Last evaluated: 2018-07-01. Review status: criteria provided, single submitter. Criteria: ACMG Guidelines, 2015. Collection method: clinical testing. Allele origin: germline.

Illumina Laboratory Services, Illumina
Classification: Benign for Schwartz-Jampel syndrome type 1. Last evaluated: 2018-01-13. Review status: criteria provided, single submitter. Criteria: ICSL Variant Classification Criteria 13 December 2019. Collection method: clinical testing. Allele origin: germline.
Comment: This variant was observed in the ICSL laboratory as part of a predisposition screen in an ostensibly healthy population. It had not been previously curated by ICSL or reported in the Human Gene Mutation Database (HGMD: prior to June 1st, 2018), and was therefore a candidate for classification through an automated scoring system. Utilizing variant allele frequency, disease prevalence and penetrance estimates, and inheritance mode, an automated score was calculated to assess if this variant is too frequent to cause the disease. Based on the score and internal cut-off values, a variant classified as benign is not then subjected to further curation. The score for this variant resulted in a classification of benign for this disease.

Illumina Laboratory Services, Illumina
Classification: Benign for Lethal Kniest-like syndrome. Last evaluated: 2018-01-13. Review status: criteria provided, single submitter. Criteria: ICSL Variant Classification Criteria 13 December 2019. Collection method: clinical testing. Allele origin: germline.
Comment: the same text as in the submission from Illumina Laboratory Services, Illumina above.

Breakthrough Genomics
Classification: Likely benign. Review status: criteria provided, single submitter. Criteria: ACMG Guidelines, 2015. Collection method: not provided. Allele origin: germline. Inheritance: Autosomal recessive inheritance. Affected: yes.

NM_005529.7(HSPG2):c.13119C>T (p.Pro4373=)

Genes: LDLRAD2 (low density lipoprotein receptor class A domain containing 2; plus strand), HSPG2 (heparan sulfate proteoglycan 2; minus strand). Cytogenetic location: 1p36.12.
Variant type: single nucleotide variant.
Coding change: c.13119C>T on transcript NM_005529.7 (MANE Select); coding-DNA position 13119, C replaced by T.
Protein change: p.Pro4373=; no amino-acid change (proline 4373 retained).
Molecular consequence: synonymous variant. On other transcripts: 3 prime UTR variant (1).
Genome position (GRCh38, 1-based): chr1:21,823,373, G>A on the plus strand (C>T on the coding strand, the complement: HSPG2 is on the minus strand). VCF-style: chr1-21823373-G-A. GRCh37 (hg19) VCF-style: chr1-22149866-G-A.
Other names: c.13122C>T, p.Pro4374= (NM_001291860.2); c.*1158G>A (NM_001013693.3).
Identifiers: ClinVar variation 295694 (VCV000295694.30), dbSNP rs2229477, ClinGen allele CA669122.